The following is an entry in ClinVar:

ClinVar aggregate classification (germline): Uncertain significance. Review status: criteria provided, multiple submitters, no conflicts (2 of 4 stars). 2 submissions from 2 submitters: Uncertain significance (2). Last evaluated 2023-02-07.

Conditions:
Inborn genetic diseases. Identifiers: MedGen C0950123, MeSH D030342.
Hawkinsinuria. Identifiers: Orphanet 2118, MedGen C2931042, MONDO:0007700, OMIM 140350, HP:0034457.
Tyrosinemia type III. Also called: Tyrosinemia type 3; 4-alpha hydroxyphenylpyruvic acid oxidase deficiency; 4-alpha hydroxyphenylpyruvate dioxygenase deficiency; 4-Hydroxyphenylpyruvate dioxygenase deficiency; 4-HYDROXYPHENYLPYRUVIC ACID OXIDASE DEFICIENCY. Identifiers: Orphanet 69723, MedGen C0268623, MONDO:0010162, OMIM 276710.

Allele frequency attached by ClinVar (database versions not stated): TOPMed 0.00001.
gnomAD v4.1: 34 of 1,613,890 alleles (0.0021%); highest among the groups gnomAD compares: African/African-American, 0.0027%; no homozygotes.

Submissions (2):

Ambry Genetics
Classification: Uncertain significance for Inborn genetic diseases. Last evaluated: 2023-02-07. Review status: criteria provided, single submitter. Criteria: Ambry Variant Classification Scheme 2023. Collection method: clinical testing. Allele origin: germline.

Labcorp Genetics (formerly Invitae), Labcorp
Classification: Uncertain significance for Tyrosinemia type III; Hawkinsinuria. Last evaluated: 2021-08-26. Review status: criteria provided, single submitter. Criteria: Invitae Variant Classification Sherloc (09022015). Collection method: clinical testing. Allele origin: germline.
Comment: This sequence change replaces arginine with tryptophan at codon 300 of the HPD protein (p.Arg300Trp). The arginine residue is moderately conserved and there is a moderate physicochemical difference between arginine and tryptophan. This variant is present in population databases (rs149281612, ExAC 0.001%). This variant has not been reported in the literature in individuals affected with HPD-related conditions. Algorithms developed to predict the effect of missense changes on protein structure and function are either unavailable or do not agree on the potential impact of this missense change (SIFT: "Deleterious"; PolyPhen-2: "Probably Damaging"; Align-GVGD: "Class C0"). In summary, the available evidence is currently insufficient to determine the role of this variant in disease. Therefore, it has been classified as a Variant of Uncertain Significance.

NM_002150.3(HPD):c.898C>T (p.Arg300Trp)

Genes: HPD (4-hydroxyphenylpyruvate dioxygenase; minus strand), TIALD (transcript inducer of AURKA lysosomal degradation; plus strand). Cytogenetic location: 12q24.31.
Variant type: single nucleotide variant.
Coding change: c.898C>T on transcript NM_002150.3 (MANE Select); coding-DNA position 898, C replaced by T.
Protein change: p.Arg300Trp; replaces arginine 300 with tryptophan.
Molecular consequence: missense variant.
Genome position (GRCh38, 1-based): chr12:121,843,766, G>A on the plus strand (C>T on the coding strand, the complement: HPD is on the minus strand). VCF-style: chr12-121843766-G-A. GRCh37 (hg19) VCF-style: chr12-122281672-G-A.
Other names: c.781C>T, p.Arg261Trp (NM_001171993.2); short protein forms R261W, R300W.
Identifiers: ClinVar variation 846837 (VCV000846837.7), dbSNP rs149281612, ClinGen allele CA6839489.